The following is an entry in ClinVar:

ClinVar aggregate classification (germline): Uncertain significance (1 of 4 stars; one submission).

Conditions:
Dilated cardiomyopathy 1DD (CMD1DD). Identifiers: Orphanet 154, MedGen C2750995, MONDO:0013168, OMIM 613172.

Submission:

Labcorp Genetics (formerly Invitae), Labcorp
Classification: Uncertain significance for Dilated cardiomyopathy 1DD. Last evaluated: 2022-06-28. Review status: criteria provided, single submitter. Criteria: Invitae Variant Classification Sherloc (09022015). Collection method: clinical testing. Allele origin: germline.
Comment: This sequence change replaces glutamine, which is neutral and polar, with histidine, which is basic and polar, at codon 288 of the RBM20 protein (p.Gln288His). This variant is not present in population databases (gnomAD no frequency). This variant has not been reported in the literature in individuals affected with RBM20-related conditions. Advanced modeling of protein sequence and biophysical properties (such as structural, functional, and spatial information, amino acid conservation, physicochemical variation, residue mobility, and thermodynamic stability) performed at Invitae indicates that this missense variant is not expected to disrupt RBM20 protein function. In summary, the available evidence is currently insufficient to determine the role of this variant in disease. Therefore, it has been classified as a Variant of Uncertain Significance.

NM_001134363.3(RBM20):c.864A>T (p.Gln288His)

Gene: RBM20 (RNA binding motif protein 20; plus strand). Cytogenetic location: 10q25.2.
Variant type: single nucleotide variant.
Coding change: c.864A>T on transcript NM_001134363.3 (MANE Select); coding-DNA position 864, A replaced by T.
Protein change: p.Gln288His; replaces glutamine 288 with histidine.
Molecular consequence: missense variant.
Genome position (GRCh38, 1-based): chr10:110,781,473, A>T. VCF-style: chr10-110781473-A-T. GRCh37 (hg19) VCF-style: chr10-112541231-A-T.
Other names: short protein forms Q288H.
Identifiers: ClinVar variation 2046373 (VCV002046373.4), dbSNP rs1354313838, ClinGen allele CA378383997.
Genomic context (GRCh38, chr10:110,781,473, plus strand): 5'-CCACACAGGGCAGGATGGTCAAGCTGCCTTTTCCAAAGATTTTTACGGACCCAACTCCCA[A>T]GGTTCACATGTGGCCAGCGGATTTCCAGCTGAGCAGGCTGGGGGCCTGAAAAGTGAGGTC-3'
Protein context (NP_001127835.2, residues 278-298): FSKDFYGPNS[Gln288His]GSHVASGFPA